The following is an entry in ClinVar:

ClinVar aggregate classification (germline): Uncertain significance (1 of 4 stars; one submission).

Conditions:
Hereditary cancer-predisposing syndrome. Also called: Neoplastic Syndromes, Hereditary; Tumor predisposition; Hereditary Cancer Syndrome; Hereditary neoplastic syndrome. Identifiers: Orphanet 140162, MedGen C0027672, MeSH D009386, MONDO:0015356.

Submission:

Ambry Genetics
Classification: Uncertain significance for Hereditary cancer-predisposing syndrome. Last evaluated: 2025-12-17. Review status: criteria provided, single submitter. Criteria: Ambry Variant Classification Scheme 2023. Collection method: clinical testing. Allele origin: germline.
Comment: The c.3163-15_3183del36 variant results from a deletion of 36 nucleotides between positions 3163-15 and 3183 and involves the canonical splice acceptor site before coding exon 27 of the EGFR gene. This variant is considered to be rare based on population cohorts in the Genome Aggregation Database (gnomAD). The canonical splice acceptor site is highly conserved in available vertebrate species. In silico splice site analysis predicts that this alteration will weaken the native splice acceptor site and may result in the creation or strengthening of a novel splice acceptor site; however, the exact impact of this deletion on splicing and function is currently unknown. Alterations that disrupt the canonical splice site are expected to cause aberrant splicing, resulting in an abnormal protein or a transcript that is subject to nonsense-mediated mRNA decay. Although biallelic loss of function of EGFR are known to cause EGFR-related neonatal inflammatory skin and bowel disease, such associations with EGFR-related lung cancer have not been reported. Based on the supporting evidence, this variant is expected to be causative of EGFR-related neonatal inflammatory skin and bowel disease when present along with a second pathogenic variant on the other allele; however, its clinical significance for EGFR-related lung cancer is unclear.

NM_005228.5(EGFR):c.3163-15_3183del

Gene: EGFR (epidermal growth factor receptor; plus strand). Cytogenetic location: 7p11.2.
Variant type: Deletion.
Coding change: c.3163-15_3183del on transcript NM_005228.5 (MANE Select); 15 bases into the intron before coding-DNA position 3163 through coding-DNA position 3183, 36 bases deleted.
Molecular consequence: splice acceptor variant.
Genome position (GRCh38, 1-based): chr7:55,202,502-55,202,537, 36 bases deleted. GRCh37 (hg19): chr7:55,270,195-55,270,230.
Other names: c.3028-15_3048del (NM_001346899.2, NM_001346897.2); c.2362-15_2382del (NM_001346941.2); c.3163-15_3183del (NM_001346898.2); c.3004-15_3024del (NM_001346900.2).
Identifiers: ClinVar variation 4842904 (VCV004842904.1).